The following is an entry in ClinVar:

ClinVar aggregate classification (germline): Likely benign. Review status: criteria provided, multiple submitters, no conflicts (2 of 4 stars). 3 submissions from 3 submitters: Likely benign (3). Last evaluated 2025-12-16.

Conditions:
LAMA5-related disorder. Also called: LAMA5-related condition; LAMA5-Related Disorders.

Allele frequency attached by ClinVar (database versions not stated): gnomAD exomes 0.00003; ExAC 0.00017; gnomAD 0.00027; TOPMed 0.00034; ESP Exome Variant Server 0.00039; 1000 Genomes Project 0.00040; 1000 Genomes Project 30x 0.00078.
gnomAD v4.1: 77 of 1,611,852 alleles (0.0048%); highest among the groups gnomAD compares: African/African-American, 0.097%; 1 homozygote.

Submissions (3):

PreventionGenetics, part of Exact Sciences
Classification: Likely benign for LAMA5-related condition. Last evaluated: 2025-12-16. Review status: criteria provided, single submitter. Criteria: ACMG Guidelines, 2015. Collection method: clinical testing. Allele origin: germline.
Comment: This variant is classified as likely benign based on ACMG/AMP sequence variant interpretation guidelines (Richards et al. 2015 PMID: 25741868, with internal and published modifications).

Mayo Clinic Laboratories, Mayo Clinic
Classification: Likely benign. Last evaluated: 2025-10-15. Review status: criteria provided, single submitter. Criteria: ACMG Guidelines, 2015. Collection method: clinical testing. Allele origin: germline. Observed: 1 variant allele.
Comment: BP4, BP7

Labcorp Genetics (formerly Invitae), Labcorp
Classification: Likely benign. Last evaluated: 2024-03-22. Review status: criteria provided, single submitter. Criteria: Invitae Variant Classification Sherloc (09022015). Collection method: clinical testing. Allele origin: germline.

NM_005560.6(LAMA5):c.2130T>C (p.Cys710=)

Gene: LAMA5 (laminin subunit alpha 5; minus strand). Cytogenetic location: 20q13.33.
Variant type: single nucleotide variant.
Coding change: c.2130T>C on transcript NM_005560.6 (MANE Select); coding-DNA position 2130, T replaced by C.
Protein change: p.Cys710=; no amino-acid change (cysteine 710 retained).
Molecular consequence: synonymous variant.
Genome position (GRCh38, 1-based): chr20:62,337,624, A>G on the plus strand (T>C on the coding strand, the complement: LAMA5 is on the minus strand). VCF-style: chr20-62337624-A-G. GRCh37 (hg19) VCF-style: chr20-60912680-A-G.
Other names: p.Cys710=; c.2130T>C (NM_005560.4).
Identifiers: ClinVar variation 2716618 (VCV002716618.5), dbSNP rs150289353, ClinGen allele CA9943620.